The following is an entry in ClinVar:

NM_002691.4(POLD1):c.2292C>T (p.Gly764=)

Gene: POLD1 (DNA polymerase delta 1, catalytic subunit; plus strand). Cytogenetic location: 19q13.33.
Variant type: single nucleotide variant.
Coding change: c.2292C>T on transcript NM_002691.4 (MANE Select); coding-DNA position 2292, C replaced by T.
Protein change: p.Gly764=; no amino-acid change (glycine 764 retained).
Molecular consequence: synonymous variant. On other transcripts: non-coding transcript variant (1).
Genome position (GRCh38, 1-based): chr19:50,413,783, C>T. VCF-style: chr19-50413783-C-T. GRCh37 (hg19) VCF-style: chr19-50917040-C-T.
Other names: c.2292C>T, p.Gly764= (NM_001256849.1); c.2370C>T, p.Gly790= (NM_001308632.1).
Identifiers: ClinVar variation 422841 (VCV000422841.14), dbSNP rs146960286, ClinGen allele CA9596476.

ClinVar aggregate classification (germline): Conflicting classifications of pathogenicity. Review status: criteria provided, conflicting classifications (1 of 4 stars). 3 submissions from 3 submitters: Uncertain significance (1); Likely benign (2). Last evaluated 2026-01-10.

Conditions:
POLD1-related polyposis and colorectal cancer syndrome (CRCS10). Also called: Colorectal cancer 10; COLORECTAL CANCER, SUSCEPTIBILITY TO, ON CHROMOSOME 19q; Colorectal cancer, susceptibility to, 10. Identifiers: Orphanet 220460, MedGen C2675481, MONDO:0012953, OMIM 612591.
Hereditary cancer-predisposing syndrome. Also called: Neoplastic Syndromes, Hereditary; Hereditary neoplastic syndrome; Tumor predisposition; Hereditary Cancer Syndrome. Identifiers: Orphanet 140162, MedGen C0027672, MeSH D009386, MONDO:0015356.

Allele frequency attached by ClinVar (database versions not stated): gnomAD exomes 0.00001 and 0.00002; ExAC 0.00002; gnomAD 0.00003 and 0.00004; TOPMed 0.00003; ESP Exome Variant Server 0.00015.
gnomAD v4.1: 8 of 1,611,650 alleles (0.0005%); highest among the groups gnomAD compares: African/African-American, 0.0093%; no homozygotes.

Submissions (3):

Labcorp Genetics (formerly Invitae), Labcorp
Classification: Likely benign for POLD1-related polyposis and colorectal cancer syndrome. Last evaluated: 2026-01-10. Review status: criteria provided, single submitter. Criteria: Invitae Variant Classification Sherloc (09022015). Collection method: clinical testing. Allele origin: germline.

GeneDx
Classification: Uncertain significance. Last evaluated: 2021-09-01. Review status: criteria provided, single submitter. Criteria: GeneDx Variant Classification Process June 2021. Collection method: clinical testing. Allele origin: germline. Affected: yes.
Comment: Not observed at significant frequency in large population cohorts (Lek 2016); Has not been previously published as pathogenic or benign to our knowledge; In silico analysis suggests this variant may impact gene splicing. In the absence of RNA/functional studies, the actual effect of this sequence change is unknown.; This variant is associated with the following publications: (PMID: 28577310, 25790293)

Ambry Genetics
Classification: Likely benign for Hereditary cancer-predisposing syndrome. Last evaluated: 2018-02-16. Review status: criteria provided, single submitter. Criteria: Ambry Variant Classification Scheme 2023. Collection method: clinical testing. Allele origin: germline.